The following is an entry in ClinVar:

ClinVar aggregate classification (germline): Pathogenic (1 of 4 stars; one submission).

Conditions:
Isolated microphthalmia 8. Identifiers: Orphanet 2542, MedGen C3554524, MONDO:0014050, OMIM 615113.

Submission:

Labcorp Genetics (formerly Invitae), Labcorp
Classification: Pathogenic for Isolated microphthalmia 8. Last evaluated: 2021-04-23. Review status: criteria provided, single submitter. Criteria: Invitae Variant Classification Sherloc (09022015). Collection method: clinical testing. Allele origin: germline.
Comment: For these reasons, this variant has been classified as Pathogenic. This variant has not been reported in the literature in individuals with ALDH1A3-related conditions. This variant is not present in population databases (ExAC no frequency). This sequence change creates a premature translational stop signal (p.Trp147Glnfs*7) in the ALDH1A3 gene. It is expected to result in an absent or disrupted protein product. Loss-of-function variants in ALDH1A3 are known to be pathogenic (PMID: 23312594, 23591992, 24777706).

Literature cited by the submitters: PubMed 23312594; PubMed 23591992; PubMed 24777706.

NM_000693.4(ALDH1A3):c.439_458del (p.Trp147fs)

Genes: ALDH1A3 (aldehyde dehydrogenase 1 family member A3; plus strand), ALDH1A3-AS1 (ALDH1A3 antisense RNA 1; minus strand). Cytogenetic location: 15q26.3.
Variant type: Deletion.
Coding change: c.439_458del on transcript NM_000693.4 (MANE Select); coding-DNA positions 439 to 458, 20 bases deleted (TGGGCAGACAAAATCCAGGG).
Protein change: p.Trp147fs; shifts the reading frame from tryptophan 147.
Molecular consequence: frameshift variant. On other transcripts: non-coding transcript variant (1), intron variant (1).
Genome position (GRCh38, 1-based): chr15:100,892,603-100,892,622, TGGGCAGACAAAATCCAGGG deleted; deleting any 20 consecutive bases within chr15:100,892,598-100,892,622 gives the same sequence; the c. name uses the placement nearest the transcript's 3' end. VCF-style (leftmost placement, unchanged base first): chr15-100892597-GCAGGGTGGGCAGACAAAATC-G. GRCh37 (hg19) VCF-style: chr15-101432802-GCAGGGTGGGCAGACAAAATC-G.
Other names: c.346-3330_346-3311del (NM_001293815.2); short protein forms W147fs.
Identifiers: ClinVar variation 1372977 (VCV001372977.6), dbSNP rs2141554930, ClinGen allele CA2573150642.